The following is an entry in ClinVar:

NM_004329.3(BMPR1A):c.493A>T (p.Ile165Phe)

Gene: BMPR1A (bone morphogenetic protein receptor type 1A; plus strand). Cytogenetic location: 10q23.2.
Variant type: single nucleotide variant.
Coding change: c.493A>T on transcript NM_004329.3 (MANE Select); coding-DNA position 493, A replaced by T.
Protein change: p.Ile165Phe; replaces isoleucine 165 with phenylalanine.
Molecular consequence: missense variant. On other transcripts: non-coding transcript variant (3), intron variant (1).
Genome position (GRCh38, 1-based): chr10:86,900,089, A>T. VCF-style: chr10-86900089-A-T. GRCh37 (hg19) VCF-style: chr10-88659846-A-T.
Other names: c.493A>T, p.Ile165Phe (NM_001406559.1, NM_001406560.1, NM_001406561.1 and 22 more transcripts); c.409A>T, p.Ile137Phe (NM_001406584.1, NM_001406585.1, NM_001406586.1 and 2 more transcripts); c.333+7860A>T (NM_001406589.1); short protein forms I137F, I165F.
Identifiers: ClinVar variation 2626627 (VCV002626627.3), dbSNP rs2539494872, ClinGen allele CA377450518.

ClinVar aggregate classification (germline): Uncertain significance (1 of 4 stars; one submission).

Conditions:
Hereditary cancer-predisposing syndrome. Also called: Tumor predisposition; Hereditary Cancer Syndrome; Hereditary neoplastic syndrome; Neoplastic Syndromes, Hereditary. Identifiers: Orphanet 140162, MedGen C0027672, MeSH D009386, MONDO:0015356.

Submission:

Ambry Genetics
Classification: Uncertain significance for Hereditary cancer-predisposing syndrome. Last evaluated: 2025-11-07. Review status: criteria provided, single submitter. Criteria: Ambry Variant Classification Scheme 2023. Collection method: clinical testing. Allele origin: germline.
Comment: The p.I165F variant (also known as c.493A>T), located in coding exon 5 of the BMPR1A gene, results from an A to T substitution at nucleotide position 493. The isoleucine at codon 165 is replaced by phenylalanine, an amino acid with highly similar properties. This amino acid position is conserved. In addition, this alteration is predicted to be tolerated by in silico analysis. Based on the available evidence, the clinical significance of this variant remains unclear.